The following is an entry in ClinVar:

NM_201596.3(CACNB2):c.1910dup (p.Asp638fs)

Gene: CACNB2 (calcium voltage-gated channel auxiliary subunit beta 2; plus strand). Cytogenetic location: 10p12.31.
Variant type: Duplication.
Coding change: c.1910dup on transcript NM_201596.3 (MANE Select); coding-DNA position 1910, one base duplicated (A; older notation c.1910dupA).
Protein change: p.Asp638fs; shifts the reading frame from aspartic acid 638.
Molecular consequence: frameshift variant.
Genome position (GRCh38, 1-based): chr10:18,539,651, A duplicated; the last of 4 consecutive A bases (chr10:18,539,648-18,539,651); duplicating any one gives the same sequence. VCF-style (leftmost placement, unchanged base first): chr10-18539647-G-GA. GRCh37 (hg19) VCF-style: chr10-18828576-G-GA.
Other names: c.1745dup, p.Asp583fs (NM_000724.4); c.1712dup, p.Asp572fs (NM_001167945.2); c.1631dup, p.Asp545fs (NM_001330060.2); c.1766dup, p.Asp590fs (NM_201570.3); c.1826dup, p.Asp610fs (NM_201571.4); c.1754dup, p.Asp586fs (NM_201572.4); c.1748dup, p.Asp584fs (NM_201590.3); c.1796dup, p.Asp600fs (NM_201593.3); and 2 more; short protein forms D572fs, D584fs, D583fs, D614fs, D586fs, D590fs, D545fs, D600fs.
Identifiers: ClinVar variation 519502 (VCV000519502.12), dbSNP rs750015594, ClinGen allele CA5430203.

ClinVar aggregate classification (germline): Uncertain significance. Review status: criteria provided, multiple submitters, no conflicts (2 of 4 stars). 4 submissions from 4 submitters: Uncertain significance (4). Last evaluated 2025-03-23.

Conditions:
Brugada syndrome 4 (BRGDA4). Identifiers: Orphanet 130, MedGen C2678477, MONDO:0012743, OMIM 611876.
Cardiovascular phenotype. Identifiers: MedGen CN230736.

Submissions (4):

Labcorp Genetics (formerly Invitae), Labcorp
Classification: Uncertain significance for Brugada syndrome 4. Last evaluated: 2025-03-23. Review status: criteria provided, single submitter. Criteria: Invitae Variant Classification Sherloc (09022015). Collection method: clinical testing. Allele origin: germline.
Comment: This sequence change creates a premature translational stop signal (p.Asp584Glyfs*11) in the CACNB2 gene. While this is not anticipated to result in nonsense mediated decay, it is expected to disrupt the last 23 amino acid(s) of the CACNB2 protein. This variant is present in population databases (rs750015594, gnomAD 0.006%). This variant has not been reported in the literature in individuals affected with CACNB2-related conditions. ClinVar contains an entry for this variant (Variation ID: 519502). In summary, the available evidence is currently insufficient to determine the role of this variant in disease. Therefore, it has been classified as a Variant of Uncertain Significance.

Ambry Genetics
Classification: Uncertain significance for Cardiovascular phenotype. Last evaluated: 2024-12-18. Review status: criteria provided, single submitter. Criteria: Ambry Variant Classification Scheme 2023. Collection method: clinical testing. Allele origin: germline.
Comment: The c.1748dupA variant, located in coding exon 13 of the CACNB2 gene, results from a duplication of A at nucleotide position 1748, causing a translational frameshift with a predicted alternate stop codon (p.D584Gfs*11). This alteration is expected to result in protein truncation. However, loss of function of CACNB2 has not been established as a mechanism of disease. The evidence for this gene-disease relationship is limited; therefore, the clinical significance of this alteration is unclear.

Fulgent Genetics
Classification: Uncertain significance for Brugada syndrome 4. Last evaluated: 2021-07-28. Review status: criteria provided, single submitter. Criteria: ACMG Guidelines, 2015. Collection method: clinical testing. Allele origin: unknown.

Breakthrough Genomics
Classification: Uncertain significance. Review status: criteria provided, single submitter. Criteria: ACMG Guidelines, 2015. Collection method: not provided. Allele origin: germline. Inheritance: Autosomal dominant inheritance. Affected: yes.